The following is an entry in ClinVar:

ClinVar aggregate classification (germline): Uncertain significance (1 of 4 stars; one submission).

Conditions:
Inborn genetic diseases. Identifiers: MedGen C0950123, MeSH D030342.

gnomAD v4.1: 7 of 1,613,970 alleles (0.00043%); highest among the groups gnomAD compares: Non-Finnish European, 0.00059%; no homozygotes.

Submission:

Ambry Genetics
Classification: Uncertain significance for Inborn genetic diseases. Last evaluated: 2025-03-04. Review status: criteria provided, single submitter. Criteria: Ambry Variant Classification Scheme 2023. Collection method: clinical testing. Allele origin: germline.
Comment: The p.F446I variant (also known as c.1336T>A), located in coding exon 1 of the SAMD9L gene, results from a T to A substitution at nucleotide position 1336. The phenylalanine at codon 446 is replaced by isoleucine, an amino acid with highly similar properties. This amino acid position is conserved. In addition, the in silico prediction for this alteration is inconclusive. Based on the available evidence, the clinical significance of this variant remains unclear.

NM_152703.5(SAMD9L):c.1336T>A (p.Phe446Ile)

Gene: SAMD9L (sterile alpha motif domain containing 9 like; minus strand). Cytogenetic location: 7q21.2.
Variant type: single nucleotide variant.
Coding change: c.1336T>A on transcript NM_152703.5 (MANE Select); coding-DNA position 1336, T replaced by A.
Protein change: p.Phe446Ile; replaces phenylalanine 446 with isoleucine.
Molecular consequence: missense variant.
Genome position (GRCh38, 1-based): chr7:93,134,636, A>T on the plus strand (T>A on the coding strand, the complement: SAMD9L is on the minus strand). VCF-style: chr7-93134636-A-T. GRCh37 (hg19) VCF-style: chr7-92763949-A-T.
Other names: c.1336T>A, p.Phe446Ile (NM_001303496.3, NM_001303497.3, NM_001303498.3 and 5 more transcripts); short protein forms F446I.
Identifiers: ClinVar variation 3792488 (VCV003792488.1).
Genomic context (GRCh38, chr7:93,134,636, plus strand): 5'-TTGCCACCCGACTTTCTTTGTAAGCTTTGACCACTCCATTGATCATAGATTCAGGATCAA[A>T]CTCCAACACAGCAAACCATTTAATTTCTTTTAAAAAATCTAAGTGCTTTATTTGGTTTGG-3'
Protein context (NP_689916.2, residues 436-456): KEIKWFAVLE[Phe446Ile]DPESMINGVV